The following is an entry in ClinVar:

ClinVar aggregate classification (germline): Uncertain significance (1 of 4 stars; one submission).

Conditions:
Perrault syndrome. Also called: Gonadal dysgenesis with auditory dysfunction, autosomal recessive inheritance. Identifiers: Orphanet 2855, MedGen C0685838, MONDO:0017312.
Bifunctional peroxisomal enzyme deficiency (DBIF). Also called: DBP DEFICIENCY; D-bifunctional protein deficiency; PBFE DEFICIENCY. Identifiers: Orphanet 300, MedGen C0342870, MONDO:0009855, OMIM 261515. Disease mechanism: loss of function.

gnomAD v4.1: 1 of 1,549,962 alleles (0.000065%); highest among the groups gnomAD compares: Non-Finnish European, 0.000089%; no homozygotes.

Submission:

Labcorp Genetics (formerly Invitae), Labcorp
Classification: Uncertain significance for Perrault syndrome; Bifunctional peroxisomal enzyme deficiency. Last evaluated: 2021-01-12. Review status: criteria provided, single submitter. Criteria: Invitae Variant Classification Sherloc (09022015). Collection method: clinical testing. Allele origin: germline.
Comment: This sequence change falls in intron 13 of the HSD17B4 gene. It does not directly change the encoded amino acid sequence of the HSD17B4 protein. It affects a nucleotide within the consensus splice site of the intron. This variant is not present in population databases (ExAC no frequency). This variant has not been reported in the literature in individuals with HSD17B4-related conditions. Nucleotide substitutions within the consensus splice site are a relatively common cause of aberrant splicing (PMID: 17576681, 9536098). Algorithms developed to predict the effect of sequence changes on RNA splicing suggest that this variant may disrupt the consensus splice site, but this prediction has not been confirmed by published transcriptional studies. In summary, the available evidence is currently insufficient to determine the role of this variant in disease. Therefore, it has been classified as a Variant of Uncertain Significance.

Literature cited by the submitters: PubMed 17576681; PubMed 9536098.

NM_000414.4(HSD17B4):c.1209+5G>A

Gene: HSD17B4 (hydroxysteroid 17-beta dehydrogenase 4; plus strand). Cytogenetic location: 5q23.1.
Variant type: single nucleotide variant.
Coding change: c.1209+5G>A on transcript NM_000414.4 (MANE Select); 5 bases into the intron after coding-DNA position 1209, G replaced by A.
Molecular consequence: intron variant.
Genome position (GRCh38, 1-based): chr5:119,499,558, G>A. VCF-style: chr5-119499558-G-A. GRCh37 (hg19) VCF-style: chr5-118835253-G-A.
Other names: c.798+5G>A (NM_001374503.1, NM_001374502.1, NM_001374501.1); c.1284+5G>A (NM_001199291.3); c.882+5G>A (NM_001374499.1); c.768+5G>A (NM_001374500.1); c.789+5G>A (NM_001292028.2); c.1137+5G>A (NM_001292027.2); c.1209+5G>A (NM_001374498.1); c.1200+5G>A (NM_001374497.1); and 1 more.
Identifiers: ClinVar variation 1353542 (VCV001353542.3), dbSNP rs749753383, ClinGen allele CA2573138666.